The following is an entry in ClinVar:

NM_002109.6(HARS1):c.1329GAA[1] (p.Lys444del)

Gene: HARS1 (histidyl-tRNA synthetase 1; minus strand). Cytogenetic location: 5q31.3.
Variant type: Microsatellite.
Coding change: c.1329GAA[1] on transcript NM_002109.6 (MANE Select); one copy of the 3-base unit GAA starting at c.1329; the reference has two copies in a row; one copy, 3 bases deleted.
Protein change: p.Lys444del; deletes lysine 444.
Molecular consequence: inframe deletion.
Genome position (GRCh38, 1-based): chr5:140,674,803-140,674,805, TTC deleted on the plus strand (GAA on the coding strand, the reverse complement: HARS1 is on the minus strand); deleting any 3 consecutive bases within chr5:140,674,803-140,674,810 gives the same sequence; the position shown is the placement nearest the transcript's 3' end. VCF-style (leftmost placement, unchanged base first): chr5-140674802-GTTC-G. GRCh37 (hg19) VCF-style: chr5-140054387-GTTC-G.
Other names: c.1209GAA[1], p.Lys404del (NM_001258040.3); c.1269GAA[1], p.Lys424del (NM_001258041.3); c.1149GAA[1], p.Lys384del (NM_001258042.3); c.1107GAA[1], p.Lys370del (NM_001289092.2); c.987GAA[1], p.Lys330del (NM_001289093.2); c.1242GAA[1], p.Lys415del (NM_001289094.2); short protein forms K415del, K330del, K384del, K404del, K370del, K424del, K444del.
Identifiers: ClinVar variation 846422 (VCV000846422.8), dbSNP rs756193571, ClinGen allele CA3443838.
Genomic context (GRCh38, chr5:140,674,802, plus strand): 5'-GATAGCCACCAGTGGGATGCCTGCCTCCTCACAGTACTGTAACTGGTTCAGTAGCTTTGG[GTTC>G]TTCTTGTACAGCAGCTCAGCCTGCAGGGGACAAGAGCAGAAGATGAAGGCTGGCTTCTGC-3'

ClinVar aggregate classification (germline): Conflicting classifications of pathogenicity. Review status: criteria provided, conflicting classifications (1 of 4 stars). 2 submissions from 2 submitters: Likely pathogenic (1); Uncertain significance (1). Last evaluated 2025-08-18.

Conditions:
Usher syndrome type 3B. Also called: USHER SYNDROME, TYPE IIIB. Identifiers: MedGen C3281066, MONDO:0013788, OMIM 614504.

Submissions (2):

Labcorp Genetics (formerly Invitae), Labcorp
Classification: Likely pathogenic for Usher syndrome type 3B. Last evaluated: 2025-08-18. Review status: criteria provided, single submitter. Criteria: Invitae Variant Classification Sherloc (09022015). Collection method: clinical testing. Allele origin: germline.
Comment: This variant, c.1332_1334del, results in the deletion of 1 amino acid(s) of the HARS protein (p.Lys444del), but otherwise preserves the integrity of the reading frame. This variant is present in population databases (rs756193571, gnomAD 0.004%). This variant has been observed in individuals with autosomal dominant Charcot-Marie-Tooth disease (internal data). ClinVar contains an entry for this variant (Variation ID: 846422). In summary, the currently available evidence indicates that the variant is pathogenic, but additional data are needed to prove that conclusively. Therefore, this variant has been classified as Likely Pathogenic.

GeneDx
Classification: Uncertain significance. Last evaluated: 2018-08-10. Review status: criteria provided, single submitter. Criteria: GeneDx Variant Classification Process June 2021. Collection method: clinical testing. Allele origin: germline. Affected: yes.